The following is an entry in ClinVar:

ClinVar aggregate classification (germline): Uncertain significance (1 of 4 stars; one submission).

Conditions:
SIM1-related disorder. Also called: SIM1-related disorders; SIM1-related condition.

Submission:

PreventionGenetics, part of Exact Sciences
Classification: Uncertain significance for SIM1-related condition. Last evaluated: 2026-07-31. Review status: criteria provided, single submitter. Criteria: ACMG Guidelines, 2015. Collection method: clinical testing. Allele origin: germline.
Comment: The SIM1 c.2176A>G variant is predicted to result in the amino acid substitution p.Thr726Ala. To our knowledge, this variant has not been reported in the literature or in a large population database (gnomAD), indicating this variant is rare. At this time, the clinical significance of this variant is uncertain due to the absence of conclusive functional and genetic evidence.

NM_005068.3(SIM1):c.2176A>G (p.Thr726Ala)

Gene: SIM1 (SIM bHLH transcription factor 1; minus strand). Cytogenetic location: 6q16.3.
Variant type: single nucleotide variant.
Coding change: c.2176A>G on transcript NM_005068.3 (MANE Select); coding-DNA position 2176, A replaced by G.
Protein change: p.Thr726Ala; replaces threonine 726 with alanine.
Molecular consequence: missense variant.
Genome position (GRCh38, 1-based): chr6:100,390,486, T>C on the plus strand (A>G on the coding strand, the complement: SIM1 is on the minus strand). VCF-style: chr6-100390486-T-C. GRCh37 (hg19) VCF-style: chr6-100838362-T-C.
Other names: c.2176A>G, p.Thr726Ala (NM_001374769.1); short protein forms T726A.
Identifiers: ClinVar variation 4991126 (VCV004991126.1).